The following is an entry in ClinVar:

NM_000552.5(VWF):c.5453A>G (p.Asn1818Ser)

Gene: VWF (von Willebrand factor; minus strand). Cytogenetic location: 12p13.31.
Variant type: single nucleotide variant.
Coding change: c.5453A>G on transcript NM_000552.5 (MANE Select); coding-DNA position 5453, A replaced by G.
Protein change: p.Asn1818Ser; replaces asparagine 1818 with serine.
Molecular consequence: missense variant.
Genome position (GRCh38, 1-based): chr12:6,016,091, T>C on the plus strand (A>G on the coding strand, the complement: VWF is on the minus strand). VCF-style: chr12-6016091-T-C. GRCh37 (hg19) VCF-style: chr12-6125257-T-C.
Other names: c.5453A>G (NM_000552.4, NM_000552.3); short protein forms N1818S.
Identifiers: ClinVar variation 100428 (VCV000100428.4), dbSNP rs61750608, ClinGen allele CA228721.

ClinVar aggregate classification (germline): Uncertain significance. Review status: criteria provided, multiple submitters, no conflicts (2 of 4 stars). 4 submissions from 4 submitters: Uncertain significance (3). 1 of the submissions does not count toward it. Last evaluated 2024-11-13.

Conditions:
VWF-related disorder. Also called: VWF-related disorders; VWF-related condition.
Inborn genetic diseases. Identifiers: MedGen C0950123, MeSH D030342.
von Willebrand disease type 2 (VWD2). Also called: VON WILLEBRAND DISEASE, TYPE 2A/IIE; VON WILLEBRAND DISEASE, TYPE 2CB; VON WILLEBRAND DISEASE, TYPE II; VWD, TYPE 2. Identifiers: Orphanet 166081, Orphanet 903, MedGen C1264040, MONDO:0013304, OMIM 613554.

Allele frequency attached by ClinVar (database versions not stated): gnomAD 0.00001; gnomAD exomes 0.00002 and 0.00007; TOPMed 0.00002; ExAC 0.00009.
gnomAD v4.1: 37 of 1,613,996 alleles (0.0023%); highest among the groups gnomAD compares: South Asian, 0.0088%; no homozygotes.

Submissions (4):

PreventionGenetics, part of Exact Sciences
Classification: Uncertain significance for VWF-related condition. Last evaluated: 2024-11-13. Review status: criteria provided, single submitter. Criteria: ACMG Guidelines, 2015. Collection method: clinical testing. Allele origin: germline.
Comment: The VWF c.5453A>G variant is predicted to result in the amino acid substitution p.Asn1818Ser. This variant has been reported in trans with another VWF variant in an individual with Von Willebrand disease 1 (James et al. 2007. PubMed ID: 17190853). This variant has also been reported in an individual with hemophililia A (Manderstedt et al. 2019. PubMed ID: 31026269). This variant is reported in 0.020% of alleles in individuals of South Asian descent in gnomAD. At this time, the clinical significance of this variant is uncertain due to the absence of conclusive functional and genetic evidence.

Ambry Genetics
Classification: Uncertain significance for Inborn genetic diseases. Last evaluated: 2022-10-20. Review status: criteria provided, single submitter. Criteria: Ambry Variant Classification Scheme 2023. Collection method: clinical testing. Allele origin: germline.
Comment: The c.5453A>G (p.N1818S) alteration is located in exon 31 (coding exon 30) of the VWF gene. This alteration results from an A to G substitution at nucleotide position 5453, causing the asparagine (N) at amino acid position 1818 to be replaced by a serine (S). Based on data from gnomAD, the G allele has an overall frequency of 0.007% (18/251330) total alleles studied. The highest observed frequency was 0.02% (6/30612) of South Asian alleles. The variant was detected in trans with another VWF variant in an individual with a diagnosis of type 1 von Willebrand disease (James, 2007). This variant was also reported in a patient diagnosed with mild hemophilia A who had an alteration in F8 (Manderstedt, 2019). This amino acid position is not well conserved in available vertebrate species. This alteration is predicted to be tolerated by in silico analysis. Based on insufficient or conflicting evidence, the clinical significance of this alteration remains unclear.

Neuberg Centre For Genomic Medicine, NCGM
Classification: Uncertain significance for von Willebrand disease type 2. Review status: criteria provided, single submitter. Criteria: ACMG Guidelines, 2015. Collection method: clinical testing. Allele origin: germline. Inheritance: Autosomal dominant inheritance. Affected: yes.
Comment: The missense variant c.5453A>G (p.Asn1818Ser) in VWF gene has been previously reported in an individual affected with haemophilia A (Manderstedt et al. 2019), however it is currently unknown if this variant contributes to disease. The p.Asn1818Ser variant is novel (not in any individuals) in 1000 Genomes and is present in the gnomAD database with a a frequency of 0.007%. The amino acid Asn at position 1818 is changed to a Ser changing protein sequence and it might alter its composition and physico-chemical properties. In silico tools predict the variant to be tolerated. The residue is conserved across species. The amino acid change p.Asn1818Ser in VWF is predicted as conserved by GERP++ and PhyloP across 100 vertebrates. For these reasons, this variant has been classified as Uncertain Significance.

Academic Unit of Haematology, University of Sheffield
No classification provided. Review status: no classification provided. Collection method: not provided. Allele origin: not provided. Not counted in ClinVar's aggregate classification.

Literature cited by the submitters: PubMed 17190853 (cited by Ambry Genetics); PubMed 31026269 (cited by Ambry Genetics).